The following is an entry in ClinVar:

ClinVar aggregate classification (germline): Uncertain significance. Review status: criteria provided, multiple submitters, no conflicts (2 of 4 stars). 2 submissions from 2 submitters: Uncertain significance (2). Last evaluated 2026-08-25.

Conditions:
RPL17-related condition.

Allele frequency attached by ClinVar (database versions not stated): gnomAD exomes 0.00002; gnomAD 0.00005; TOPMed 0.00007; ESP Exome Variant Server 0.00008.
gnomAD v4.1: 34 of 1,612,940 alleles (0.0021%); highest among the groups gnomAD compares: Middle Eastern, 0.019%; no homozygotes.

Submissions (2):

PreventionGenetics, part of Exact Sciences
Classification: Uncertain significance for RPL17-related condition. Last evaluated: 2026-08-25. Review status: criteria provided, single submitter. Criteria: ACMG Guidelines, 2015. Collection method: clinical testing. Allele origin: germline.
Comment: The RPL17 c.191A>G variant is predicted to result in the amino acid substitution p.Asn64Ser. To our knowledge, this variant has not been reported in the literature. This variant is reported in 0.0099% of alleles in individuals of Ashkenazi Jewish descent in gnomAD. At this time, the clinical significance of this variant is uncertain due to the absence of conclusive functional and genetic evidence.

Ambry Genetics
Classification: Uncertain significance. Last evaluated: 2025-05-05. Review status: criteria provided, single submitter. Criteria: Ambry Variant Classification Scheme 2023. Collection method: clinical testing. Allele origin: germline.

NM_001035006.5(RPL17):c.191A>G (p.Asn64Ser)

Genes: RPL17 (ribosomal protein L17; minus strand), RPL17-C18orf32 (RPL17-C18orf32 readthrough; minus strand). Cytogenetic location: 18q21.1.
Variant type: single nucleotide variant.
Coding change: c.191A>G on transcript NM_001035006.5 (MANE Select); coding-DNA position 191, A replaced by G.
Protein change: p.Asn64Ser; replaces asparagine 64 with serine.
Molecular consequence: missense variant.
Genome position (GRCh38, 1-based): chr18:49,490,818, T>C on the plus strand (A>G on the coding strand, the complement: RPL17 is on the minus strand). VCF-style: chr18-49490818-T-C. GRCh37 (hg19) VCF-style: chr18-47017188-T-C.
Other names: c.191A>G, p.Asn64Ser (NM_001199340.2, NM_001199341.3, NM_001199342.3 and 7 more transcripts); c.77A>G, p.Asn26Ser (NM_001199345.2, NM_001369562.1, NM_001369563.1 and 1 more transcripts); c.206A>G, p.Asn69Ser (NM_001369555.1); c.161A>G, p.Asn54Ser (NM_001369560.1, NM_001369561.1); c.191A>G (NM_001199342.1); short protein forms N64S, N69S, N26S, N54S.
Identifiers: ClinVar variation 2277746 (VCV002277746.4), dbSNP rs376740476, ClinGen allele CA8958780.